The following is an entry in ClinVar:

ClinVar aggregate classification (germline): Pathogenic (1 of 4 stars; one submission).

Conditions:
Inborn genetic diseases. Identifiers: MedGen C0950123, MeSH D030342.

Submission:

Ambry Genetics
Classification: Pathogenic for Inborn genetic diseases. Last evaluated: 2022-01-06. Review status: criteria provided, single submitter. Criteria: Ambry Variant Classification Scheme 2023. Collection method: clinical testing. Allele origin: germline.
Comment: The c.699G>A (p.W233*) alteration, located in exon 5 (coding exon 4) of the TBX6 gene, consists of a G to A substitution at nucleotide position 699. This changes the amino acid from a tryptophan (W) to a stop codon at amino acid position 233. This alteration is expected to result in loss of function by premature protein truncation or nonsense-mediated mRNA decay. This variant was not reported in population-based cohorts in the Genome Aggregation Database (gnomAD). This alteration was reported in trans with the &lsquo;T-C-A&rsquo; risk haplotype (the co-occurrence of three common SNPs: rs2289292, rs3809624, and rs3809627) in an individual with congenital hemivertebrae, block vertebrae, and a missing left eleventh rib (Takeda, 2017; Liu, 2019). Functional analysis of the p.W233* alteration showed significantly decreased transcriptional activities compared to the wild-type (Chen, 2020). Based on the available evidence, this alteration is classified as pathogenic.

Literature cited by the submitters: PubMed 28054739; PubMed 30636772; PubMed 31471994.

NM_004608.4(TBX6):c.699G>A (p.Trp233Ter)

Gene: TBX6 (T-box transcription factor 6; minus strand). Cytogenetic location: 16p11.2.
Variant type: single nucleotide variant.
Coding change: c.699G>A on transcript NM_004608.4 (MANE Select); coding-DNA position 699, G replaced by A.
Protein change: p.Trp233Ter; replaces tryptophan 233 with a stop codon.
Molecular consequence: nonsense.
Genome position (GRCh38, 1-based): chr16:30,088,762, C>T on the plus strand (G>A on the coding strand, the complement: TBX6 is on the minus strand). VCF-style: chr16-30088762-C-T. GRCh37 (hg19) VCF-style: chr16-30100083-C-T.
Other names: short protein forms W233*.
Identifiers: ClinVar variation 2221167 (VCV002221167.2), dbSNP rs61738521, ClinGen allele CA395518683.